The following is an entry in ClinVar:

ClinVar aggregate classification (germline): Uncertain significance (1 of 4 stars; one submission).

Allele frequency attached by ClinVar (database versions not stated): TOPMed 0.00001; ExAC 0.00001.
gnomAD v4.1: 40 of 1,610,954 alleles (0.0025%); highest among the groups gnomAD compares: Middle Eastern, 0.17%; no homozygotes.

Submission:

Labcorp Genetics (formerly Invitae), Labcorp
Classification: Uncertain significance. Last evaluated: 2025-03-31. Review status: criteria provided, single submitter. Criteria: Invitae Variant Classification Sherloc (09022015). Collection method: clinical testing. Allele origin: germline.
Comment: This sequence change replaces alanine, which is neutral and non-polar, with threonine, which is neutral and polar, at codon 2272 of the FBN3 protein (p.Ala2272Thr). This variant is present in population databases (rs745613890, gnomAD 0.002%). This variant has not been reported in the literature in individuals affected with FBN3-related conditions. ClinVar contains an entry for this variant (Variation ID: 2956453). Invitae Evidence Modeling of protein sequence and biophysical properties (such as structural, functional, and spatial information, amino acid conservation, physicochemical variation, residue mobility, and thermodynamic stability) indicates that this missense variant is not expected to disrupt FBN3 protein function with a negative predictive value of 80%. In summary, the available evidence is currently insufficient to determine the role of this variant in disease. Therefore, it has been classified as a Variant of Uncertain Significance.

NM_032447.5(FBN3):c.6814G>A (p.Ala2272Thr)

Gene: FBN3 (fibrillin 3; minus strand). Cytogenetic location: 19p13.2.
Variant type: single nucleotide variant.
Coding change: c.6814G>A on transcript NM_032447.5 (MANE Select); coding-DNA position 6814, G replaced by A.
Protein change: p.Ala2272Thr; replaces alanine 2272 with threonine.
Molecular consequence: missense variant.
Genome position (GRCh38, 1-based): chr19:8,086,266, C>T on the plus strand (G>A on the coding strand, the complement: FBN3 is on the minus strand). VCF-style: chr19-8086266-C-T. GRCh37 (hg19) VCF-style: chr19-8151150-C-T.
Other names: c.6814G>A, p.Ala2272Thr (NM_001321431.2); short protein forms A2272T.
Identifiers: ClinVar variation 2956453 (VCV002956453.3), dbSNP rs745613890, ClinGen allele CA9151108.